The following is an entry in ClinVar:

NM_170707.4(LMNA):c.1609-8C>G

Gene: LMNA (lamin A/C; plus strand). Cytogenetic location: 1q22.
Variant type: single nucleotide variant.
Coding change: c.1609-8C>G on transcript NM_170707.4 (MANE Select); 8 bases into the intron before coding-DNA position 1609, C replaced by G.
Molecular consequence: intron variant.
Genome position (GRCh38, 1-based): chr1:156,137,646, C>G. VCF-style: chr1-156137646-C-G. GRCh37 (hg19) VCF-style: chr1-156107437-C-G.
Other names: c.1609-8C>G (NM_001282625.2, NM_001282626.2, NM_005572.4); c.1608+414C>G (NM_170708.4); c.1273-8C>G (NM_001257374.3); c.1366-8C>G (NM_001282624.2).
Identifiers: ClinVar variation 245726 (VCV000245726.7), dbSNP rs879253917, ClinGen allele CA10584134.

ClinVar aggregate classification (germline): Conflicting classifications of pathogenicity. Review status: criteria provided, conflicting classifications (1 of 4 stars). 2 submissions from 2 submitters: Uncertain significance (1); Likely benign (1). Last evaluated 2025-02-13.

Conditions:
Charcot-Marie-Tooth disease type 2. Also called: Charcot-Marie-Tooth type 2. Identifiers: Orphanet 64746, MedGen C0270914, MONDO:0018993.

Allele frequency attached by ClinVar (database versions not stated): gnomAD exomes below 0.00001.
gnomAD v4.1: 1 of 1,551,772 alleles (0.000064%); highest among the groups gnomAD compares: Admixed American, 0.002%; no homozygotes.

Submissions (3):

Labcorp Genetics (formerly Invitae), Labcorp
Classification: Likely benign for Charcot-Marie-Tooth disease type 2. Last evaluated: 2025-02-13. Review status: criteria provided, single submitter. Criteria: Invitae Variant Classification Sherloc (09022015). Collection method: clinical testing. Allele origin: germline.

GeneDx
Classification: Uncertain significance. Last evaluated: 2016-12-19. Review status: criteria provided, single submitter. Criteria: GeneDx Variant Classification (06012015). Collection method: clinical testing. Allele origin: germline. Affected: yes.
Comment: The c.1609-8 C>G variant of uncertain significance has been identified in the LMNA gene. This variant has not been published as a pathogenic variant, nor has it been reported as a benign variant to our knowledge. The c.1609-8 C>G variant was not observed in approximately 6,300 individuals of European and African American ancestry in the NHLBI Exome Sequencing Project, indicating it is not a common benign variant in these populations. This substitution occurs at a nucleotide that is conserved in mammals. In silico splice algorithms predicts this variant may damage the natural splice acceptor site for intron 9 and may cause abnormal gene splicing. This variant may lead to either an abnormal message that is subject to nonsense-mediated mRNA decay, or to an abnormal protein product if the message is used for protein translation. However, in the absence of functional mRNA studies, the physiological consequence of this variant cannot be precisely determined. Nevertheless, other non-canonical splice site variants in the LMNA gene have been reported in the Human Gene Mutation Database in association with LMNA-related disorders (Stenson et al., 2014).

Dr. Peter K. Rogan Lab, Western University
No classification provided (evidence only). Condition: Ovarian serous cystadenocarcinoma. Review status: no classification provided. Collection method: in vitro. Allele origin: not applicable. Functional consequence: retained intron. Not counted in ClinVar's aggregate classification.